The following is an entry in ClinVar:

ClinVar aggregate classification (germline): Benign/Likely benign. Review status: criteria provided, multiple submitters, no conflicts (2 of 4 stars). 5 submissions from 5 submitters: Benign (4); Likely benign (1). Last evaluated 2026-02-01.

Allele frequency attached by ClinVar (database versions not stated): gnomAD exomes 0.00066 and 0.00158; ExAC 0.00208; 1000 Genomes Project 0.00599; ESP Exome Variant Server 0.00631; 1000 Genomes Project 30x 0.00640; gnomAD 0.00658 and 0.00703; TOPMed 0.00735.
gnomAD v4.1: 1,987 of 1,611,430 alleles (0.12%); highest among the groups gnomAD compares: African/African-American, 2.4%; 23 homozygotes.

Submissions (5):

Labcorp Genetics (formerly Invitae), Labcorp
Classification: Benign. Last evaluated: 2026-02-01. Review status: criteria provided, single submitter. Criteria: Invitae Variant Classification Sherloc (09022015). Collection method: clinical testing. Allele origin: germline.

CeGaT Center for Human Genetics Tuebingen
Classification: Benign. Last evaluated: 2025-06-01. Review status: criteria provided, single submitter. Criteria: CeGaT Center For Human Genetics Tuebingen Variant Classification Criteria Version 2. Collection method: clinical testing. Allele origin: germline. Affected: yes. Observed: 1 variant allele.
Comment: FGFR3: BP4, BP7, BS1, BS2

Blueprint Genetics
Classification: Likely benign. Last evaluated: 2024-11-20. Review status: criteria provided, single submitter. Criteria: ACMG Guidelines, 2015. Collection method: clinical testing. Allele origin: germline.

ARUP Laboratories, Molecular Genetics and Genomics, ARUP Laboratories
Classification: Benign. Last evaluated: 2024-01-26. Review status: criteria provided, single submitter. Criteria: ARUP Molecular Germline Variant Investigation Process 2024. Collection method: clinical testing. Allele origin: germline.

GeneDx
Classification: Benign. Last evaluated: 2017-12-11. Review status: criteria provided, single submitter. Criteria: GeneDx Variant Classification (06012015). Collection method: clinical testing. Allele origin: germline. Affected: yes.
Comment: This variant is considered likely benign or benign based on one or more of the following criteria: it is a conservative change, it occurs at a poorly conserved position in the protein, it is predicted to be benign by multiple in silico algorithms, and/or has population frequency not consistent with disease.

NM_000142.5(FGFR3):c.654G>C (p.Val218=)

Gene: FGFR3 (fibroblast growth factor receptor 3; plus strand). Cytogenetic location: 4p16.3.
Variant type: single nucleotide variant.
Coding change: c.654G>C on transcript NM_000142.5 (MANE Select); coding-DNA position 654, G replaced by C.
Protein change: p.Val218=; no amino-acid change (valine 218 retained).
Molecular consequence: synonymous variant. On other transcripts: non-coding transcript variant (1).
Genome position (GRCh38, 1-based): chr4:1,801,658, G>C. VCF-style: chr4-1801658-G-C. GRCh37 (hg19) VCF-style: chr4-1803385-G-C.
Other names: c.654G>C, p.Val218= (NM_001163213.2, NM_001354809.2, NM_001354810.2 and 1 more transcripts).
Identifiers: ClinVar variation 465354 (VCV000465354.67), dbSNP rs147769045, ClinGen allele CA2809912.
Genomic context (GRCh38, chr4:1,801,658, plus strand): 5'-ACCCGCCCGCGTCCCGGTGCAGCTGCGGCATCAGCAGTGGAGCCTGGTCATGGAAAGCGT[G>C]GTGCCCTCGGACCGCGGCAACTACACCTGCGTCGTGGAGAACAAGTTTGGCAGCATCCGG-3'
Protein context (NP_000133.1, residues 208-228): HQQWSLVMES[Val218=]VPSDRGNYTC